The following is an entry in ClinVar:

NM_001352027.3(PHF21A):c.284_286del (p.Leu95del)

Gene: PHF21A (PHD finger protein 21A; minus strand). Cytogenetic location: 11p11.2.
Variant type: Deletion.
Coding change: c.284_286del on transcript NM_001352027.3 (MANE Select); coding-DNA positions 284 to 286, 3 bases deleted (TAC; older notation c.284_286delTAC).
Protein change: p.Leu95del; deletes leucine 95.
Molecular consequence: inframe deletion. On other transcripts: non-coding transcript variant (2).
Genome position (GRCh38, 1-based): chr11:45,979,834-45,979,836, GTA deleted on the plus strand (TAC on the coding strand, the reverse complement: PHF21A is on the minus strand); deleting any 3 consecutive bases within chr11:45,979,834-45,979,838 gives the same sequence; the c. name uses the placement nearest the transcript's 3' end. VCF-style (leftmost placement, unchanged base first): chr11-45979833-TGTA-T. GRCh37 (hg19) VCF-style: chr11-46001384-TGTA-T.
Other names: c.284_286del, p.Leu95del (NM_001101802.3, NM_001352025.3, NM_001352026.3 and 9 more transcripts); c.305_307del, p.Leu102del (NM_001441167.1, NM_001441168.1, NM_001441169.1); short protein forms L102del, L95del.
Identifiers: ClinVar variation 4975903 (VCV004975903.1).

ClinVar aggregate classification (germline): Uncertain significance (1 of 4 stars; one submission).

Submission:

GeneDx
Classification: Uncertain significance. Last evaluated: 2026-02-04. Review status: criteria provided, single submitter. Criteria: GeneDx Variant Classification Process June 2021. Collection method: clinical testing. Allele origin: germline.
Comment: In-frame deletion of 1 amino acid(s) in a non-repeat region; In silico analysis supports a deleterious effect on protein structure/function; Has not been previously published as pathogenic or benign to our knowledge